The following is an entry in ClinVar:

ClinVar aggregate classification (germline): Uncertain significance (1 of 4 stars; one submission).

Conditions:
Autism spectrum disorder due to AUTS2 deficiency (MRD26). Also called: INTELLECTUAL DEVELOPMENTAL DISORDER, AUTOSOMAL DOMINANT 26. Identifiers: Orphanet 352490, MedGen C4014435, MONDO:0014361, OMIM 615834.

Submission:

Victorian Clinical Genetics Services, Murdoch Childrens Research Institute
Classification: Uncertain significance for Autism spectrum disorder due to AUTS2 deficiency. Last evaluated: 2020-05-01. Review status: criteria provided, single submitter. Criteria: ACMG Guidelines, 2015. Collection method: clinical testing. Allele origin: germline. Inheritance: Autosomal dominant inheritance.
Comment: A heterozygous missense variant was identified, NM_015570.3(AUTS2):c.1771C>T in exon 11 of 19 of the AUTS2 gene. This substitution is predicted to create a moderate amino acid change from a proline to a serine at position 591 of the protein; NP_056385.1(AUTS2):p.(Pro591Ser). The proline at this position has high conservation (100 vertebrates, UCSC), and is located within the PHA03247 super family domain (NCBI). In silico software predictions of the pathogenicity of this variant are conflicting (Polyphen, SIFT, CADD, Mutation Taster). The variant is not present in the gnomAD population database. Two alternative residue changes at the same location to threonine and leucine have both been reported in the gnomAD database at a frequency of 0.0004% each. This variant has not previously been reported in clinical cases. Based on information available at the time of curation, this variant has been classified as a VUS.

NM_015570.4(AUTS2):c.1771C>T (p.Pro591Ser)

Gene: AUTS2 (activator of transcription and developmental regulator AUTS2; plus strand). Cytogenetic location: 7q11.22.
Variant type: single nucleotide variant.
Coding change: c.1771C>T on transcript NM_015570.4 (MANE Select); coding-DNA position 1771, C replaced by T.
Protein change: p.Pro591Ser; replaces proline 591 with serine.
Molecular consequence: missense variant.
Genome position (GRCh38, 1-based): chr7:70,771,585, C>T. VCF-style: chr7-70771585-C-T. GRCh37 (hg19) VCF-style: chr7-70236571-C-T.
Other names: c.1771C>T, p.Pro591Ser (NM_001127231.3); short protein forms P591S.
Identifiers: ClinVar variation 1698979 (VCV001698979.3), dbSNP rs778369039, ClinGen allele CA367669332.